The following is an entry in ClinVar:

ClinVar aggregate classification (germline): Uncertain significance (1 of 4 stars; one submission).

Allele frequency attached by ClinVar (database versions not stated): gnomAD exomes below 0.00001.

Submission:

GeneDx
Classification: Uncertain significance. Last evaluated: 2021-06-23. Review status: criteria provided, single submitter. Criteria: GeneDx Variant Classification Process June 2021. Collection method: clinical testing. Allele origin: germline. Affected: yes.
Comment: Not observed at significant frequency in large population cohorts (Lek et al., 2016); Has not been previously published as pathogenic or benign to our knowledge; In silico analysis supports that this missense variant does not alter protein structure/function; In-silico analysis, which includes splice predictors and evolutionary conservation, is inconclusive as to whether the variant alters gene splicing. In the absence of RNA/functional studies, the actual effect of this sequence change is unknown.; This variant is associated with the following publications: (PMID: 27535533)

NM_000123.4(ERCC5):c.1123C>T (p.Pro375Ser)

Genes: BIVM-ERCC5 (BIVM-ERCC5 readthrough; plus strand), ERCC5 (ERCC excision repair 5, endonuclease; plus strand). Cytogenetic location: 13q33.1.
Variant type: single nucleotide variant.
Coding change: c.1123C>T on transcript NM_000123.4 (MANE Select); coding-DNA position 1123, C replaced by T.
Protein change: p.Pro375Ser; replaces proline 375 with serine.
Molecular consequence: missense variant.
Genome position (GRCh38, 1-based): chr13:102,862,272, C>T. VCF-style: chr13-102862272-C-T. GRCh37 (hg19) VCF-style: chr13-103514622-C-T.
Other names: c.2485C>T, p.Pro829Ser (NM_001204425.2); short protein forms P375S, P829S.
Identifiers: ClinVar variation 1329753 (VCV001329753.2), dbSNP rs1566468572, ClinGen allele CA388572062.
Genomic context (GRCh38, chr13:102,862,272, plus strand): 5'-AGTAGCTCAGAAGAGGAGCTGGAGAGTGAAAATCGAAGGCAGGCCCGTGGGAGGAACGCA[C>T]CTGCTGCTGTAGACGAAGGCTCCATATCACCCCGGACTCTTTCAGCCATTAAGAGAGCTC-3'
Protein context (NP_000114.3, residues 365-385): NRRQARGRNA[Pro375Ser]AAVDEGSISP